The following is an entry in ClinVar:

NM_000285.4(PEPD):c.196C>A (p.Arg66Ser)

Gene: PEPD (peptidase D; minus strand). Cytogenetic location: 19q13.11.
Variant type: single nucleotide variant.
Coding change: c.196C>A on transcript NM_000285.4 (MANE Select); coding-DNA position 196, C replaced by A.
Protein change: p.Arg66Ser; replaces arginine 66 with serine.
Molecular consequence: missense variant.
Genome position (GRCh38, 1-based): chr19:33,512,598, G>T on the plus strand (C>A on the coding strand, the complement: PEPD is on the minus strand). VCF-style: chr19-33512598-G-T. GRCh37 (hg19) VCF-style: chr19-34003504-G-T.
Other names: c.196C>A, p.Arg66Ser (NM_001166056.2, NM_001166057.2); short protein forms R66S.
Identifiers: ClinVar variation 2016251 (VCV002016251.4), dbSNP rs368995247, ClinGen allele CA405232873.

ClinVar aggregate classification (germline): Uncertain significance (1 of 4 stars; one submission).

Submission:

Labcorp Genetics (formerly Invitae), Labcorp
Classification: Uncertain significance. Last evaluated: 2024-10-29. Review status: criteria provided, single submitter. Criteria: Invitae Variant Classification Sherloc (09022015). Collection method: clinical testing. Allele origin: germline.
Comment: This sequence change replaces arginine, which is basic and polar, with serine, which is neutral and polar, at codon 66 of the PEPD protein (p.Arg66Ser). This variant is not present in population databases (gnomAD no frequency). This variant has not been reported in the literature in individuals affected with PEPD-related conditions. ClinVar contains an entry for this variant (Variation ID: 2016251). Invitae Evidence Modeling of protein sequence and biophysical properties (such as structural, functional, and spatial information, amino acid conservation, physicochemical variation, residue mobility, and thermodynamic stability) has been performed for this missense variant. However, the output from this modeling did not meet the statistical confidence thresholds required to predict the impact of this variant on PEPD protein function. In summary, the available evidence is currently insufficient to determine the role of this variant in disease. Therefore, it has been classified as a Variant of Uncertain Significance.